The following is an entry in ClinVar:

ClinVar aggregate classification (germline): Uncertain significance (1 of 4 stars; one submission).

Conditions:
Inborn genetic diseases. Identifiers: MedGen C0950123, MeSH D030342.

Submission:

Ambry Genetics
Classification: Uncertain significance for Inborn genetic diseases. Last evaluated: 2021-08-08. Review status: criteria provided, single submitter. Criteria: Ambry Variant Classification Scheme 2023. Collection method: clinical testing. Allele origin: germline.
Comment: The p.T457I variant (also known as c.1370C>T), located in coding exon 14 of the ERCC2 gene, results from a C to T substitution at nucleotide position 1370. The threonine at codon 457 is replaced by isoleucine, an amino acid with similar properties. This amino acid position is conserved. In addition, this alteration is predicted to be deleterious by in silico analysis. Since supporting evidence is limited at this time, the clinical significance of this alteration remains unclear.

NM_000400.4(ERCC2):c.1370C>T (p.Thr457Ile)

Gene: ERCC2 (ERCC excision repair 2, TFIIH core complex helicase subunit; minus strand). Cytogenetic location: 19q13.32.
Variant type: single nucleotide variant.
Coding change: c.1370C>T on transcript NM_000400.4 (MANE Select); coding-DNA position 1370, C replaced by T.
Protein change: p.Thr457Ile; replaces threonine 457 with isoleucine.
Molecular consequence: missense variant.
Genome position (GRCh38, 1-based): chr19:45,357,481, G>A on the plus strand (C>T on the coding strand, the complement: ERCC2 is on the minus strand). VCF-style: chr19-45357481-G-A. GRCh37 (hg19) VCF-style: chr19-45860739-G-A.
Other names: short protein forms T457I.
Identifiers: ClinVar variation 1771032 (VCV001771032.2), dbSNP rs2514013207, ClinGen allele CA406367400.
Genomic context (GRCh38, chr19:45,357,481, plus strand): 5'-GAGGCCCATGGAGGGAGGTCAGGGACTAGGAGGGGACGGGGAAGGGTCCTTACCCCAGAT[G>A]TGATGATGACAGACTGGAAACGCTCAAATACGGGTTTGATGGCCAGCGAGGCGTCCATGC-3'
Protein context (NP_000391.1, residues 447-467): VFERFQSVII[Thr457Ile]SGTLSPLDIY